The following is an entry in ClinVar:

ClinVar aggregate classification (germline): Uncertain significance. Review status: criteria provided, multiple submitters, no conflicts (2 of 4 stars). 2 submissions from 2 submitters: Uncertain significance (2). Last evaluated 2026-01-20.

Conditions:
Hereditary breast ovarian cancer syndrome. Also called: Hereditary breast and/or ovarian cancer syndrome; Hereditary breast and ovarian cancer syndrome (HBOC); Hereditary breast and ovarian cancer; BRCA1- and BRCA2-Associated Hereditary Breast and Ovarian Cancer; Hereditary breast and ovarian cancer syndrome; Breast and ovarian cancer. Identifiers: Orphanet 145, MedGen C0677776, MeSH D061325, MONDO:0003582. Disease mechanism: loss of function.
Hereditary cancer-predisposing syndrome. Also called: Neoplastic Syndromes, Hereditary; Hereditary neoplastic syndrome; Tumor predisposition; Hereditary Cancer Syndrome. Identifiers: Orphanet 140162, MedGen C0027672, MeSH D009386, MONDO:0015356.

Submissions (2):

Ambry Genetics
Classification: Uncertain significance for Hereditary cancer-predisposing syndrome. Last evaluated: 2026-01-20. Review status: criteria provided, single submitter. Criteria: Ambry Variant Classification Scheme 2023. Collection method: clinical testing. Allele origin: germline.
Comment: The p.C953F variant (also known as c.2858G>T), located in coding exon 9 of the BRCA1 gene, results from a G to T substitution at nucleotide position 2858. The cysteine at codon 953 is replaced by phenylalanine, an amino acid with highly dissimilar properties. This amino acid position is well conserved in available vertebrate species. In addition, the in silico prediction for this alteration is inconclusive. Based on the available evidence, the clinical significance of this variant remains unclear.

Labcorp Genetics (formerly Invitae), Labcorp
Classification: Uncertain significance for Hereditary breast ovarian cancer syndrome. Last evaluated: 2025-09-10. Review status: criteria provided, single submitter. Criteria: Invitae Variant Classification Sherloc (09022015). Collection method: clinical testing. Allele origin: germline.
Comment: This sequence change replaces cysteine, which is neutral and slightly polar, with phenylalanine, which is neutral and non-polar, at codon 953 of the BRCA1 protein (p.Cys953Phe). This variant is not present in population databases (gnomAD no frequency). This variant has not been reported in the literature in individuals affected with BRCA1-related conditions. Invitae Evidence Modeling of protein sequence and biophysical properties (such as structural, functional, and spatial information, amino acid conservation, physicochemical variation, residue mobility, and thermodynamic stability) indicates that this missense variant is expected to disrupt BRCA1 protein function with a positive predictive value of 80%. In summary, the available evidence is currently insufficient to determine the role of this variant in disease. Therefore, it has been classified as a Variant of Uncertain Significance.

NM_007294.4(BRCA1):c.2858G>T (p.Cys953Phe)

Gene: BRCA1 (BRCA1 DNA repair associated; minus strand). Cytogenetic location: 17q21.31.
Variant type: single nucleotide variant.
Coding change: c.2858G>T on transcript NM_007294.4 (MANE Select); coding-DNA position 2858, G replaced by T.
Protein change: p.Cys953Phe; replaces cysteine 953 with phenylalanine.
Molecular consequence: missense variant. On other transcripts: intron variant (137).
Genome position (GRCh38, 1-based): chr17:43,092,673, C>A on the plus strand (G>T on the coding strand, the complement: BRCA1 is on the minus strand). VCF-style: chr17-43092673-C-A. GRCh37 (hg19) VCF-style: chr17-41244690-C-A.
Other names: c.2714G>T, p.Cys905Phe (NM_001407847.1, NM_001407848.1, NM_001407849.1 and 20 more transcripts); c.2717G>T, p.Cys906Phe (NM_001407850.1, NM_001407851.1, NM_001407692.1 and 29 more transcripts); c.2654G>T, p.Cys885Phe (NM_001407874.1, NM_001407875.1); c.2648G>T, p.Cys883Phe (NM_001407879.1, NM_001407881.1, NM_001407882.1 and 13 more transcripts); c.2645G>T, p.Cys882Phe (NM_001407915.1, NM_001407916.1, NM_001407917.1 and 9 more transcripts); c.2735G>T, p.Cys912Phe (NM_001407919.1, NM_001407937.1, NM_001407938.1 and 19 more transcripts); c.2594G>T, p.Cys865Phe (NM_001407929.1, NM_001407933.1, NM_001407935.1 and 9 more transcripts); c.2591G>T, p.Cys864Phe (NM_001407930.1, NM_001407931.1, NM_001407932.1 and 2 more transcripts); and 41 more; short protein forms C657F, C785F, C825F, C826F, C841F, C842F, C864F, C865F.
Identifiers: ClinVar variation 4799584 (VCV004799584.2).